The following is an entry in ClinVar:

NM_001127222.2(CACNA1A):c.65G>C (p.Gly22Ala)

Gene: CACNA1A (calcium voltage-gated channel subunit alpha1 A; minus strand). Cytogenetic location: 19p13.13.
Variant type: single nucleotide variant.
Coding change: c.65G>C on transcript NM_001127222.2 (MANE Select); coding-DNA position 65, G replaced by C.
Protein change: p.Gly22Ala; replaces glycine 22 with alanine.
Molecular consequence: missense variant.
Genome position (GRCh38, 1-based): chr19:13,506,160, C>G on the plus strand (G>C on the coding strand, the complement: CACNA1A is on the minus strand). VCF-style: chr19-13506160-C-G. GRCh37 (hg19) VCF-style: chr19-13616974-C-G.
Other names: c.65G>C, p.Gly22Ala (NM_000068.4, NM_001127221.2, NM_001174080.2 and 1 more transcripts); short protein forms G22A.
Identifiers: ClinVar variation 1525373 (VCV001525373.8), dbSNP rs1983011989, ClinGen allele CA404971277.

ClinVar aggregate classification (germline): Uncertain significance (1 of 4 stars; one submission).

Conditions:
Developmental and epileptic encephalopathy, 42 (DEE42A). Also called: Epileptic encephalopathy, early infantile, 42; DEVELOPMENTAL AND EPILEPTIC ENCEPHALOPATHY 42A; EPILEPTIC ENCEPHALOPATHY, EARLY INFANTILE, 42A. Identifiers: MedGen C4310716, MONDO:0014917, OMIM 617106.
Episodic ataxia type 2 (EA2). Also called: ATAXIA, EPISODIC, WITH NYSTAGMUS; ATAXIA, FAMILIAL PAROXYSMAL; CEREBELLAR ATAXIA, PAROXYSMAL, ACETAZOLAMIDE-RESPONSIVE; CEREBELLOPATHY, HEREDITARY PAROXYSMAL; EPISODIC ATAXIA, NYSTAGMUS-ASSOCIATED; ACETAZOLAMIDE-RESPONSIVE HEREDITARY PAROXYSMAL CEREBELLAR ATAXIA. Identifiers: Orphanet 97, MedGen C1720416, MONDO:0007163, OMIM 108500.

Submission:

Labcorp Genetics (formerly Invitae), Labcorp
Classification: Uncertain significance for Developmental and epileptic encephalopathy, 42; Episodic ataxia type 2. Last evaluated: 2026-01-31. Review status: criteria provided, single submitter. Criteria: Invitae Variant Classification Sherloc (09022015). Collection method: clinical testing. Allele origin: germline.
Comment: This sequence change replaces glycine, which is neutral and non-polar, with alanine, which is neutral and non-polar, at codon 22 of the CACNA1A protein (p.Gly22Ala). This variant is not present in population databases (gnomAD no frequency). This variant has not been reported in the literature in individuals affected with CACNA1A-related conditions. ClinVar contains an entry for this variant (Variation ID: 1525373). Invitae Evidence Modeling of protein sequence and biophysical properties (such as structural, functional, and spatial information, amino acid conservation, physicochemical variation, residue mobility, and thermodynamic stability) has been performed for this missense variant. However, the output from this modeling did not meet the statistical confidence thresholds required to predict the impact of this variant on CACNA1A protein function. In summary, the available evidence is currently insufficient to determine the role of this variant in disease. Therefore, it has been classified as a Variant of Uncertain Significance.